The following is an entry in ClinVar:

ClinVar aggregate classification (germline): Benign/Likely benign. Review status: criteria provided, multiple submitters, no conflicts (2 of 4 stars). 2 submissions from 2 submitters: Benign (1); Likely benign (1). Last evaluated 2026-09-14.

Conditions:
Colorectal cancer, hereditary nonpolyposis, type 7. Identifiers: Orphanet 144, MedGen C1858380, MONDO:0013725, OMIM 614385.

Submissions (2):

Myriad Genetics, Inc.
Classification: Benign for Colorectal cancer, hereditary nonpolyposis, type 7. Last evaluated: 2026-09-14. Review status: criteria provided, single submitter. Criteria: Myriad Autosomal Dominant, Autosomal Recessive and X-Linked Classification Criteria (2023). Collection method: clinical testing. Allele origin: unknown.
Comment: This variant is considered benign. This variant is a silent/synonymous amino acid change and it is not expected to impact splicing.

Ambry Genetics
Classification: Likely benign. Last evaluated: 2019-07-02. Review status: criteria provided, single submitter. Criteria: Ambry Variant Classification Scheme 2023. Collection method: clinical testing. Allele origin: germline.

NM_001040108.2(MLH3):c.3141T>C (p.His1047=)

Gene: MLH3 (mutL homolog 3; minus strand). Cytogenetic location: 14q24.3.
Variant type: single nucleotide variant.
Coding change: c.3141T>C on transcript NM_001040108.2 (MANE Select); coding-DNA position 3141, T replaced by C.
Protein change: p.His1047=; no amino-acid change (histidine 1047 retained).
Molecular consequence: synonymous variant.
Genome position (GRCh38, 1-based): chr14:75,046,515, A>G on the plus strand (T>C on the coding strand, the complement: MLH3 is on the minus strand). VCF-style: chr14-75046515-A-G. GRCh37 (hg19) VCF-style: chr14-75513218-A-G.
Other names: c.3141T>C, p.His1047= (NM_014381.3).
Identifiers: ClinVar variation 1728103 (VCV001728103.3), dbSNP rs2503253168, ClinGen allele CA487177377.
Genomic context (GRCh38, chr14:75,046,515, plus strand): 5'-GAATGTGCTGAGTCCAGTCATTTTGTTGACATAAACCATTCTTCCCAGGGCTACATCGAA[A>G]TGCCGCTGCCAATCTGAACAACACGTGTTTGACTCTTCAGTTTCAGAACAAGCTCTTGCT-3'
Protein context (NP_001035197.1, residues 1037-1057): SNTCCSDWQR[His1047=]FDVALGRMVY